The following is an entry in ClinVar:

ClinVar aggregate classification (germline): Conflicting classifications of pathogenicity. Review status: criteria provided, conflicting classifications (1 of 4 stars). 6 submissions from 6 submitters: Uncertain significance (2); Benign (1); Likely benign (3). Last evaluated 2025-09-07.

Conditions:
Hereditary cancer-predisposing syndrome. Also called: Hereditary neoplastic syndrome; Neoplastic Syndromes, Hereditary; Hereditary Cancer Syndrome; Tumor predisposition. Identifiers: Orphanet 140162, MedGen C0027672, MeSH D009386, MONDO:0015356.
Tuberous sclerosis syndrome (TSC). Also called: Tuberous Sclerosis Complex; Tuberous sclerosis. Identifiers: Orphanet 805, MedGen C0041341, MONDO:0001734.
Tuberous sclerosis 2 (TSC2). Identifiers: Orphanet 805, MedGen C1860707, MONDO:0013199, OMIM 613254.

Allele frequency attached by ClinVar (database versions not stated): ExAC 0.00002; gnomAD exomes 0.00002.
gnomAD v4.1: 14 of 1,611,686 alleles (0.00087%); highest among the groups gnomAD compares: South Asian, 0.014%; no homozygotes.

Submissions (6):

Labcorp Genetics (formerly Invitae), Labcorp
Classification: Benign for Tuberous sclerosis 2. Last evaluated: 2025-09-07. Review status: criteria provided, single submitter. Criteria: Invitae Variant Classification Sherloc (09022015). Collection method: clinical testing. Allele origin: germline.

Ambry Genetics
Classification: Uncertain significance for Hereditary cancer-predisposing syndrome. Last evaluated: 2024-10-04. Review status: criteria provided, single submitter. Criteria: Ambry Variant Classification Scheme 2023. Collection method: clinical testing. Allele origin: germline.
Comment: The p.V1353I variant (also known as c.4057G>A), located in coding exon 33 of the TSC2 gene, results from a G to A substitution at nucleotide position 4057. The valine at codon 1353 is replaced by isoleucine, an amino acid with highly similar properties. This amino acid position is poorly conserved in available vertebrate species. In addition, the in silico prediction for this alteration is inconclusive. Based on the available evidence, the clinical significance of this variant remains unclear.

Myriad Genetics, Inc.
Classification: Likely benign for Tuberous sclerosis 2. Last evaluated: 2024-08-20. Review status: criteria provided, single submitter. Criteria: Myriad Autosomal Dominant, Autosomal Recessive and X-Linked Classification Criteria (2023). Collection method: clinical testing. Allele origin: unknown.
Comment: This variant is considered likely benign. This variant has been observed at a population frequency that is significantly greater than expected given the associated disease prevalence and penetrance.

CeGaT Center for Human Genetics Tuebingen
Classification: Likely benign. Last evaluated: 2024-03-01. Review status: criteria provided, single submitter. Criteria: CeGaT Center For Human Genetics Tuebingen Variant Classification Criteria Version 2. Collection method: clinical testing. Allele origin: germline. Affected: yes. Observed: 2 variant alleles.
Comment: TSC2: BP4, BS2

All of Us Research Program, National Institutes of Health
Classification: Uncertain significance for Tuberous sclerosis syndrome. Last evaluated: 2023-03-04. Review status: criteria provided, single submitter. Criteria: ACMG Guidelines, 2015. Collection method: clinical testing. Allele origin: germline. Inheritance: Autosomal dominant inheritance. Observed: 1 variant allele, 1 heterozygote.
Comment: This study involves interpretation of variants in research participants for the purpose of population health screening. Participant phenotype was not available at the time of variant classification. Additional details can be found in publication PMID: 35346344, PMCID: PMC8962531

Genome-Nilou Lab
Classification: Likely benign for Tuberous sclerosis 2. Last evaluated: 2021-11-07. Review status: criteria provided, single submitter. Criteria: ACMG Guidelines, 2015. Collection method: clinical testing. Allele origin: germline. Affected: no.

NM_000548.5(TSC2):c.4057G>A (p.Val1353Ile)

Gene: TSC2 (TSC complex subunit 2; plus strand). Cytogenetic location: 16p13.3.
Variant type: single nucleotide variant.
Coding change: c.4057G>A on transcript NM_000548.5 (MANE Select); coding-DNA position 4057, G replaced by A.
Protein change: p.Val1353Ile; replaces valine 1353 with isoleucine.
Molecular consequence: missense variant.
Genome position (GRCh38, 1-based): chr16:2,084,279, G>A. VCF-style: chr16-2084279-G-A. GRCh37 (hg19) VCF-style: chr16-2134280-G-A.
Other names: c.3856G>A, p.Val1286Ile (NM_001077183.3); c.3988G>A, p.Val1330Ile (NM_001114382.3); c.3748G>A, p.Val1250Ile (NM_001318827.2); c.3712G>A, p.Val1238Ile (NM_001318829.2); c.3325G>A, p.Val1109Ile (NM_001318831.2); c.3889G>A, p.Val1297Ile (NM_001318832.2); c.3859G>A, p.Val1287Ile (NM_001363528.2); c.3925G>A, p.Val1309Ile (NM_001370404.1); and 1 more; short protein forms V1353I, V1109I, V1250I, V1286I, V1287I, V1310I, V1238I, V1297I.
Identifiers: ClinVar variation 486660 (VCV000486660.45), dbSNP rs373982157, ClinGen allele CA050315.